The following is an entry in ClinVar:

ClinVar aggregate classification (germline): Uncertain significance (1 of 4 stars; one submission).

Conditions:
Hereditary cancer-predisposing syndrome. Also called: Hereditary Cancer Syndrome; Hereditary neoplastic syndrome; Neoplastic Syndromes, Hereditary; Tumor predisposition. Identifiers: Orphanet 140162, MedGen C0027672, MeSH D009386, MONDO:0015356.

Submission:

Ambry Genetics
Classification: Uncertain significance for Hereditary cancer-predisposing syndrome. Last evaluated: 2022-10-11. Review status: criteria provided, single submitter. Criteria: Ambry Variant Classification Scheme 2023. Collection method: clinical testing. Allele origin: germline.
Comment: The c.1419+1G>T intronic variant results from a G to T substitution one nucleotide after coding exon 7 of the SMARCA4 gene. This nucleotide position is highly conserved in available vertebrate species. Alterations that disrupt the canonical splice site are expected to result in aberrant splicing. In silico splice site analysis predicts that this alteration will weaken the native splice donor site and will result in the creation or strengthening of a novel splice donor site. RNA studies have demonstrated that this alteration results in a transcript predicted to lead to a protein with an in-frame deletion of 58 amino acids; however, the exact functional impact of the deleted amino acids is unknown at this time (Ambry internal data). Since supporting evidence is limited at this time, the clinical significance of this alteration remains unclear.

NM_003072.5(SMARCA4):c.1419+1G>T

Gene: SMARCA4 (SWI/SNF related BAF chromatin remodeling complex subunit ATPase 4; plus strand). Cytogenetic location: 19p13.2.
Variant type: single nucleotide variant.
Coding change: c.1419+1G>T on transcript NM_003072.5 (MANE Select); the canonical splice donor site of the intron after coding-DNA position 1419, G replaced by T.
Molecular consequence: splice donor variant.
Genome position (GRCh38, 1-based): chr19:10,991,324, G>T. VCF-style: chr19-10991324-G-T. GRCh37 (hg19) VCF-style: chr19-11102000-G-T.
Other names: c.1419+1G>T (NM_001128844.3, NM_001128849.3, NM_001128847.4 and 6 more transcripts).
Identifiers: ClinVar variation 1772184 (VCV001772184.2), dbSNP rs2145883006, ClinGen allele CA404061207.